The following is an entry in ClinVar:

NM_002878.4(RAD51D):c.78G>A (p.Lys26=)

Genes: RAD51D (RAD51 paralog D; minus strand), RAD51L3-RFFL (RAD51L3-RFFL readthrough; minus strand). Cytogenetic location: 17q12.
Variant type: single nucleotide variant.
Coding change: c.78G>A on transcript NM_002878.4 (MANE Select); coding-DNA position 78, G replaced by A.
Protein change: p.Lys26=; no amino-acid change (lysine 26 retained).
Molecular consequence: synonymous variant. On other transcripts: non-coding transcript variant (2).
Genome position (GRCh38, 1-based): chr17:35,119,536, C>T on the plus strand (G>A on the coding strand, the complement: RAD51D is on the minus strand). VCF-style: chr17-35119536-C-T. GRCh37 (hg19) VCF-style: chr17-33446555-C-T.
Other names: c.78G>A, p.Lys26= (NM_001142571.2, NM_133629.3).
Identifiers: ClinVar variation 1761122 (VCV001761122.3), dbSNP rs2142480132, ClinGen allele CA499732491.

ClinVar aggregate classification (germline): Benign/Likely benign. Review status: criteria provided, multiple submitters, no conflicts (2 of 4 stars). 2 submissions from 2 submitters: Benign (1); Likely benign (1). Last evaluated 2025-02-20.

Conditions:
Hereditary cancer-predisposing syndrome. Also called: Neoplastic Syndromes, Hereditary; Tumor predisposition; Hereditary Cancer Syndrome; Hereditary neoplastic syndrome. Identifiers: Orphanet 140162, MedGen C0027672, MeSH D009386, MONDO:0015356.
Breast-ovarian cancer, familial, susceptibility to, 4. Identifiers: Orphanet 145, MedGen C3280345, MONDO:0013669, OMIM 614291.

Submissions (2):

Myriad Genetics, Inc.
Classification: Benign for Breast-ovarian cancer, familial, susceptibility to, 4. Last evaluated: 2025-02-20. Review status: criteria provided, single submitter. Criteria: Myriad Autosomal Dominant, Autosomal Recessive and X-Linked Classification Criteria (2023). Collection method: clinical testing. Allele origin: unknown.
Comment: This variant is considered benign. This variant is a silent/synonymous amino acid change and it is not expected to impact splicing.

Ambry Genetics
Classification: Likely benign for Hereditary cancer-predisposing syndrome. Last evaluated: 2021-03-10. Review status: criteria provided, single submitter. Criteria: Ambry Variant Classification Scheme 2023. Collection method: clinical testing. Allele origin: germline.